The following continues an entry in ClinVar:

NM_004004.6(GJB2):c.95G>A (p.Arg32His)

Gene: GJB2. ClinVar aggregate classification (germline): Pathogenic. Pathogenic (11).

Submissions 11 to 14 of 14:

Neuberg Centre For Genomic Medicine, NCGM
Classification: Pathogenic for Autosomal recessive nonsyndromic hearing loss 1A. Review status: criteria provided, single submitter. Criteria: ACMG Guidelines, 2015. Collection method: clinical testing. Allele origin: germline. Inheritance: Autosomal recessive inheritance. Affected: yes.
Comment: The GJB2 (c.95G>A) variant has been reported in multiple individuals affected with Deafness, autosomal recessive 1A (Naddafnia et. al., 2019; Roux et. al., 2004). Published functional studies suggest a damaging effect on protein localization as the mutant protein is retained in the endoplasmic reticulum (Xiao et al., 2011). The p.Arg32His variant is novel (not in any individuals) in 1000 Genomes and has allele frequency of 0.0004% in gnomAD database. This variant has been reported to the ClinVar database as Pathogenic. The amino acid change p.Arg32His in GJB2 is predicted as conserved by GERP++ and PhyloP across 100 vertebrates. In silico analysis supports that this missense variant has a deleterious effect on protein structure/function. The amino acid Arg at position 32 is changed to a His changing protein sequence and it might alter its composition and physico-chemical properties. For these reasons, this variant has been classified as Pathogenic. In the absence of another reportable variant /CNV in GJB2 gene, the molecular diagnosis is not confirmed.

Molecular Genetics Laboratory, BC Children's and BC Women's Hospitals
Classification: Pathogenic for nonsyndromic sensorineural hearing loss. Last evaluated: 2020-05-14. Review status: no assertion criteria provided. Criteria: ACMG Guidelines, 2015. Collection method: clinical testing. Allele origin: germline. Affected: yes. Not counted in ClinVar's aggregate classification.

Counsyl
Classification: Pathogenic for Autosomal recessive nonsyndromic hearing loss 1A. Last evaluated: 2016-08-03. Review status: no assertion criteria provided. Collection method: clinical testing. Allele origin: unknown. Not counted in ClinVar's aggregate classification.

Counsyl
Classification: Pathogenic for Autosomal dominant nonsyndromic hearing loss 3A. Last evaluated: 2016-08-03. Review status: no assertion criteria provided. Collection method: clinical testing. Allele origin: unknown. Not counted in ClinVar's aggregate classification.

Literature cited by the submitters: PubMed 22695344 (cited by Natera, Inc.); PubMed 11493200 (cited by 5 submitters); PubMed 32300592 (cited by Athena Diagnostics); PubMed 31162818 (cited by Athena Diagnostics); PubMed 35761346 (cited by Athena Diagnostics); PubMed 29501291 (cited by Athena Diagnostics and Labcorp Genetics (formerly Invitae), Labcorp); PubMed 29196752 (cited by Athena Diagnostics and Women's Health and Genetics/Laboratory Corporation of America, LabCorp); PubMed 22613756 (cited by Athena Diagnostics and Counsyl); PubMed 20863150 (cited by 4 submitters); PubMed 20086306 (cited by Athena Diagnostics and Laboratory for Molecular Medicine, Mass General Brigham Personalized Medicine); PubMed 19715472 (cited by Athena Diagnostics and Laboratory for Molecular Medicine, Mass General Brigham Personalized Medicine); PubMed 16931589 (cited by 3 submitters); PubMed 16380907 (cited by 3 submitters); PubMed 15967879 (cited by Athena Diagnostics and Laboratory for Molecular Medicine, Mass General Brigham Personalized Medicine); PubMed 15666300 (cited by 4 submitters); PubMed 15617550 (cited by 3 submitters); PubMed 15365987 (cited by Athena Diagnostics and Counsyl); PubMed 15150777 (cited by Athena Diagnostics and Laboratory for Molecular Medicine, Mass General Brigham Personalized Medicine); PubMed 11584050 (cited by 4 submitters); PubMed 11102979 (cited by Labcorp Genetics (formerly Invitae), Labcorp); PubMed 19371219 (cited by Labcorp Genetics (formerly Invitae), Labcorp); PubMed 21465647 (cited by Labcorp Genetics (formerly Invitae), Labcorp); PubMed 26346709 (cited by Labcorp Genetics (formerly Invitae), Labcorp); PubMed 27045574 (cited by Labcorp Genetics (formerly Invitae), Labcorp); PubMed 17935238 (cited by Laboratory for Molecular Medicine, Mass General Brigham Personalized Medicine and Counsyl); PubMed 17666888 (cited by Laboratory for Molecular Medicine, Mass General Brigham Personalized Medicine); PubMed 15070423 (cited by Laboratory for Molecular Medicine, Mass General Brigham Personalized Medicine and Counsyl); PubMed 25388846 (cited by Counsyl).